The following is an entry in ClinVar:

NM_020066.5(FMN2):c.3036C>G (p.Pro1012=)

Gene: FMN2 (formin 2; plus strand). Cytogenetic location: 1q43.
Variant type: single nucleotide variant.
Coding change: c.3036C>G on transcript NM_020066.5 (MANE Select); coding-DNA position 3036, C replaced by G.
Protein change: p.Pro1012=; no amino-acid change (proline 1012 retained).
Molecular consequence: synonymous variant. On other transcripts: intron variant (1).
Genome position (GRCh38, 1-based): chr1:240,207,848, C>G. VCF-style: chr1-240207848-C-G. GRCh37 (hg19) VCF-style: chr1-240371148-C-G.
Other names: c.3036C>G (NM_020066.4); c.1986+19586C>G (NM_001348094.2); c.3048C>G, p.Pro1016= (NM_001305424.2).
Identifiers: ClinVar variation 2640156 (VCV002640156.26), dbSNP rs201918371, ClinGen allele CA1476999.

ClinVar aggregate classification (germline): Likely benign. Review status: criteria provided, multiple submitters, no conflicts (2 of 4 stars). 3 submissions from 3 submitters: Likely benign (3). Last evaluated 2026-08-01.

Conditions:
FMN2-related disorder. Also called: FMN2-related condition.

Allele frequency attached by ClinVar (database versions not stated): ExAC 0.00078.

Submissions (3):

CeGaT Center for Human Genetics Tuebingen
Classification: Likely benign. Last evaluated: 2026-08-01. Review status: criteria provided, single submitter. Criteria: CeGaT Center For Human Genetics Tuebingen Variant Classification Criteria Version 2. Collection method: clinical testing. Allele origin: germline. Affected: yes. Observed: 7 variant alleles.
Comment: FMN2: BP4, BP7

Blueprint Genetics
Classification: Likely benign. Last evaluated: 2024-10-08. Review status: criteria provided, single submitter. Criteria: ACMG Guidelines, 2015. Collection method: clinical testing. Allele origin: germline.

PreventionGenetics, part of Exact Sciences
Classification: Likely benign for FMN2-related condition. Last evaluated: 2020-07-02. Review status: criteria provided, single submitter. Criteria: ACMG Guidelines, 2015. Collection method: clinical testing. Allele origin: germline.
Comment: This variant is classified as likely benign based on ACMG/AMP sequence variant interpretation guidelines (Richards et al. 2015 PMID: 25741868, with internal and published modifications).